The following is an entry in ClinVar:

ClinVar aggregate classification (germline): Uncertain significance (1 of 4 stars; one submission).

Conditions:
MED13-related disorder. Also called: MED13-related condition.

gnomAD v4.1: 1 of 1,614,106 alleles (0.000062%); highest among the groups gnomAD compares: Non-Finnish European, 0.000085%; no homozygotes.

Submission:

PreventionGenetics, part of Exact Sciences
Classification: Uncertain significance for MED13-related condition. Last evaluated: 2026-09-08. Review status: criteria provided, single submitter. Criteria: ACMG Guidelines, 2015. Collection method: clinical testing. Allele origin: germline.
Comment: The MED13 c.244A>G variant is predicted to result in the amino acid substitution p.Ile82Val. To our knowledge, this variant has not been reported in the literature. This variant is reported in 0.0065% of alleles in individuals of African descent in gnomAD. At this time, the clinical significance of this variant is uncertain due to the absence of conclusive functional and genetic evidence.

NM_005121.3(MED13):c.244A>G (p.Ile82Val)

Gene: MED13 (mediator complex subunit 13; minus strand). Cytogenetic location: 17q23.2.
Variant type: single nucleotide variant.
Coding change: c.244A>G on transcript NM_005121.3 (MANE Select); coding-DNA position 244, A replaced by G.
Protein change: p.Ile82Val; replaces isoleucine 82 with valine.
Molecular consequence: missense variant.
Genome position (GRCh38, 1-based): chr17:62,063,124, T>C on the plus strand (A>G on the coding strand, the complement: MED13 is on the minus strand). VCF-style: chr17-62063124-T-C. GRCh37 (hg19) VCF-style: chr17-60140485-T-C.
Other names: short protein forms I82V.
Identifiers: ClinVar variation 4995654 (VCV004995654.1).